The following is an entry in ClinVar:

ClinVar aggregate classification (germline): Pathogenic (1 of 4 stars; one submission).

Submission:

Labcorp Genetics (formerly Invitae), Labcorp
Classification: Pathogenic. Last evaluated: 2021-01-25. Review status: criteria provided, single submitter. Criteria: Invitae Variant Classification Sherloc (09022015). Collection method: clinical testing. Allele origin: germline.
Comment: This variant is not present in population databases (ExAC no frequency). This sequence change creates a premature translational stop signal (p.Trp504Leufs*26) in the CTNNB1 gene. It is expected to result in an absent or disrupted protein product. Loss-of-function variants in CTNNB1 are known to be pathogenic (PMID: 23033978, 24614104, 25326669, 26350204, 28575650). This variant has not been reported in the literature in individuals with CTNNB1-related conditions. For these reasons, this variant has been classified as Pathogenic.

Literature cited by the submitters: PubMed 23033978; PubMed 24614104; PubMed 25326669; PubMed 26350204; PubMed 28575650.

NM_001904.4(CTNNB1):c.1510dup (p.Trp504fs)

Genes: CTNNB1 (catenin beta 1; plus strand), LOC126806659 (BRD4-independent group 4 enhancer GRCh37_chr3:41274918-41276117; plus strand). Cytogenetic location: 3p22.1.
Variant type: Duplication.
Coding change: c.1510dup on transcript NM_001904.4 (MANE Select); coding-DNA position 1510, one base duplicated (T; older notation c.1510dupT).
Protein change: p.Trp504fs; shifts the reading frame from tryptophan 504.
Molecular consequence: frameshift variant.
Genome position (GRCh38, 1-based): chr3:41,233,853, T duplicated. VCF-style (leftmost placement, unchanged base first): chr3-41233852-C-CT. GRCh37 (hg19) VCF-style: chr3-41275343-C-CT.
Other names: c.1510dup, p.Trp504fs (NM_001098209.2, NM_001098210.2); c.1489dup, p.Trp497fs (NM_001330729.2); short protein forms W504fs, W497fs.
Identifiers: ClinVar variation 1385459 (VCV001385459.6), dbSNP rs2125640866, ClinGen allele CA2573136941.